The following is an entry in ClinVar:

ClinVar aggregate classification (germline): Uncertain significance (1 of 4 stars; one submission).

Allele frequency attached by ClinVar (database versions not stated): gnomAD exomes below 0.00001; TOPMed 0.00001.
gnomAD v4.1: 2 of 1,611,132 alleles (0.00012%); highest among the groups gnomAD compares: East Asian, 0.0045%; no homozygotes.

Submission:

Labcorp Genetics (formerly Invitae), Labcorp
Classification: Uncertain significance. Last evaluated: 2024-09-16. Review status: criteria provided, single submitter. Criteria: Invitae Variant Classification Sherloc (09022015). Collection method: clinical testing. Allele origin: germline.
Comment: This sequence change replaces lysine, which is basic and polar, with arginine, which is basic and polar, at codon 26 of the POLR1A protein (p.Lys26Arg). The frequency data for this variant in the population databases is considered unreliable, as metrics indicate poor data quality at this position in the gnomAD database. This variant has not been reported in the literature in individuals affected with POLR1A-related conditions. ClinVar contains an entry for this variant (Variation ID: 1978580). An algorithm developed to predict the effect of missense changes on protein structure and function outputs the following: PolyPhen-2: "Benign". The arginine amino acid residue is found in multiple mammalian species, which suggests that this missense change does not adversely affect protein function. In summary, the available evidence is currently insufficient to determine the role of this variant in disease. Therefore, it has been classified as a Variant of Uncertain Significance.

NM_015425.6(POLR1A):c.77A>G (p.Lys26Arg)

Genes: POLR1A (RNA polymerase I subunit A; minus strand), LOC129934243 (ATAC-STARR-seq lymphoblastoid active region 16153; plus strand). Cytogenetic location: 2p11.2.
Variant type: single nucleotide variant.
Coding change: c.77A>G on transcript NM_015425.6 (MANE Select); coding-DNA position 77, A replaced by G.
Protein change: p.Lys26Arg; replaces lysine 26 with arginine.
Molecular consequence: missense variant.
Genome position (GRCh38, 1-based): chr2:86,105,700, T>C on the plus strand (A>G on the coding strand, the complement: POLR1A is on the minus strand). VCF-style: chr2-86105700-T-C. GRCh37 (hg19) VCF-style: chr2-86332823-T-C.
Other names: short protein forms K26R.
Identifiers: ClinVar variation 1978580 (VCV001978580.4), dbSNP rs1212489983, ClinGen allele CA347559205.